The following is an entry in ClinVar:

ClinVar aggregate classification (germline): Uncertain significance (1 of 4 stars; one submission).

Submission:

GeneDx
Classification: Uncertain significance. Last evaluated: 2019-03-26. Review status: criteria provided, single submitter. Criteria: GeneDx Variant Classification Process June 2021. Collection method: clinical testing. Allele origin: germline. Affected: yes.
Comment: Not observed in large population cohorts (Lek et al., 2016); Has not been previously published as pathogenic or benign to our knowledge; In-silico analysis, which includes protein predictors and evolutionary conservation, is inconclusive as to whether the variant is damaging. In the absence of RNA/functional studies, the actual effect of this sequence change is unknown.

NM_006517.5(SLC16A2):c.67C>G (p.Gln23Glu)

Gene: SLC16A2 (solute carrier family 16 member 2; plus strand). Cytogenetic location: Xq13.2.
Variant type: single nucleotide variant.
Coding change: c.67C>G on transcript NM_006517.5 (MANE Select); coding-DNA position 67, C replaced by G.
Protein change: p.Gln23Glu; replaces glutamine 23 with glutamic acid.
Molecular consequence: missense variant.
Genome position (GRCh38, 1-based): chrX:74,421,704, C>G. VCF-style: chrX-74421704-C-G. GRCh37 (hg19) VCF-style: chrX-73641539-C-G.
Other names: short protein forms Q23E.
Identifiers: ClinVar variation 1308296 (VCV001308296.2), dbSNP rs1397774273, ClinGen allele CA413655709.